The following is an entry in ClinVar:

ClinVar aggregate classification (germline): Uncertain significance (1 of 4 stars; one submission).

Conditions:
Muscle AMP deaminase deficiency (MMDD). Also called: ADENOSINE MONOPHOSPHATE DEAMINASE-1 DEFICIENCY, MYOPATHY DUE TO; Adenosine monophosphate deaminase 1 deficiency; AMP deaminase 1 deficiency; Adenosine Monophosphate Deaminase 1; AMPD1 DEFICIENCY; Myoadenylate deaminase deficiency, myopathy due to. Identifiers: Orphanet 45, MedGen C3714933, MONDO:0014220, OMIM 615511.

Submission:

Labcorp Genetics (formerly Invitae), Labcorp
Classification: Uncertain significance for Muscle AMP deaminase deficiency. Last evaluated: 2022-09-14. Review status: criteria provided, single submitter. Criteria: Invitae Variant Classification Sherloc (09022015). Collection method: clinical testing. Allele origin: germline.
Comment: In summary, the available evidence is currently insufficient to determine the role of this variant in disease. Therefore, it has been classified as a Variant of Uncertain Significance. Algorithms developed to predict the effect of sequence changes on RNA splicing suggest that this variant may disrupt the consensus splice site. This variant has not been reported in the literature in individuals affected with AMPD1-related conditions. This variant is not present in population databases (gnomAD no frequency). This sequence change creates a premature translational stop signal (p.Gly111Leufs*7) in the AMPD1 gene. It is expected to result in an absent or disrupted protein product. However, the current clinical and genetic evidence is not sufficient to establish whether loss-of-function variants in AMPD1 cause disease.

NM_000036.3(AMPD1):c.231_243del (p.Gly78fs)

Gene: AMPD1 (adenosine monophosphate deaminase 1; minus strand). Cytogenetic location: 1p13.2.
Variant type: Deletion.
Coding change: c.231_243del on transcript NM_000036.3 (MANE Select); coding-DNA positions 231 to 243, 13 bases deleted (AGGACGGAAGACT).
Protein change: p.Gly78fs; shifts the reading frame from glycine 78.
Molecular consequence: frameshift variant.
Genome position (GRCh38, 1-based): chr1:114,686,883-114,686,895, AGTCTTCCGTCCT deleted on the plus strand (AGGACGGAAGACT on the coding strand, the reverse complement: AMPD1 is on the minus strand). VCF-style (leftmost placement, unchanged base first): chr1-114686882-CAGTCTTCCGTCCT-C. GRCh37 (hg19) VCF-style: chr1-115229503-CAGTCTTCCGTCCT-C.
Other names: c.219_231del, p.Gly74fs (NM_001172626.2); short protein forms G74fs, G78fs.
Identifiers: ClinVar variation 2009254 (VCV002009254.4), dbSNP rs2526380206, ClinGen allele CA2580060830.
Genomic context (GRCh38, chr1:114,686,882, plus strand): 5'-ATTCATCAATGTGGGACAGTTTGGTGGAAGATGTTTCACTTAGTGGAATGGACAAATTAA[CAGTCTTCCGTCCT>C]TGGAAACGCTTTTTTCTGGGTTCGAAATTTAAAAGTAAGAGTTAATTTTGTCTTCATCAG-3'